The following is an entry in ClinVar:

ClinVar aggregate classification (germline): Uncertain significance. Review status: criteria provided, multiple submitters, no conflicts (2 of 4 stars). 2 submissions from 2 submitters: Uncertain significance (2). Last evaluated 2026-02-09.

Conditions:
Cardiovascular phenotype. Identifiers: MedGen CN230736.
Naxos disease (NXD). Also called: CARDIOMYOPATHY, ARRHYTHMOGENIC RIGHT VENTRICULAR, WITH SKIN, HAIR, AND NAIL ABNORMALITIES; KERATOSIS PALMOPLANTARIS WITH ARRHYTHMOGENIC CARDIOMYOPATHY; MAL DE NAXOS; PALMOPLANTAR KERATODERMA WITH ARRHYTHMOGENIC RIGHT VENTRICULAR CARDIOMYOPATHY AND WOOLLY HAIR; WOOLLY HAIR, PALMOPLANTAR KERATODERMA, AND CARDIAC ABNORMALITIES. Identifiers: Orphanet 34217, MedGen C1832600, MONDO:0011017, OMIM 601214.
Arrhythmogenic right ventricular dysplasia 12. Also called: ARRHYTHMOGENIC RIGHT VENTRICULAR DYSPLASIA, FAMILIAL, 12. Identifiers: MedGen C1969081, MONDO:0012684, OMIM 611528.

Allele frequency attached by ClinVar (database versions not stated): gnomAD exomes below 0.00001.
gnomAD v4.1: 1 of 1,610,810 alleles (0.000062%); highest among the groups gnomAD compares: Non-Finnish European, 0.000085%; no homozygotes.

Submissions (2):

Ambry Genetics
Classification: Uncertain significance for Cardiovascular phenotype. Last evaluated: 2026-02-09. Review status: criteria provided, single submitter. Criteria: Ambry Variant Classification Scheme 2023. Collection method: clinical testing. Allele origin: germline.
Comment: The p.H515R variant (also known as c.1544A>G), located in coding exon 8 of the JUP gene, results from an A to G substitution at nucleotide position 1544. The histidine at codon 515 is replaced by arginine, an amino acid with highly similar properties. This amino acid position is well conserved in available vertebrate species. In addition, this alteration is predicted to be tolerated by in silico analysis. Based on the available evidence, the clinical significance of this variant remains unclear.

Labcorp Genetics (formerly Invitae), Labcorp
Classification: Uncertain significance for Arrhythmogenic right ventricular dysplasia 12; Naxos disease. Last evaluated: 2021-06-15. Review status: criteria provided, single submitter. Criteria: Invitae Variant Classification Sherloc (09022015). Collection method: clinical testing. Allele origin: germline.
Comment: In summary, the available evidence is currently insufficient to determine the role of this variant in disease. Therefore, it has been classified as a Variant of Uncertain Significance. Algorithms developed to predict the effect of missense changes on protein structure and function (SIFT, PolyPhen-2, Align-GVGD) all suggest that this variant is likely to be tolerated, but these predictions have not been confirmed by published functional studies and their clinical significance is uncertain. This variant has not been reported in the literature in individuals with JUP-related conditions. This variant is not present in population databases (ExAC no frequency). This sequence change replaces histidine with arginine at codon 515 of the JUP protein (p.His515Arg). The histidine residue is moderately conserved and there is a small physicochemical difference between histidine and arginine.

NM_002230.4(JUP):c.1544A>G (p.His515Arg)

Gene: JUP (junction plakoglobin; minus strand). Cytogenetic location: 17q21.2.
Variant type: single nucleotide variant.
Coding change: c.1544A>G on transcript NM_002230.4 (MANE Select); coding-DNA position 1544, A replaced by G.
Protein change: p.His515Arg; replaces histidine 515 with arginine.
Molecular consequence: missense variant.
Genome position (GRCh38, 1-based): chr17:41,758,824, T>C on the plus strand (A>G on the coding strand, the complement: JUP is on the minus strand). VCF-style: chr17-41758824-T-C. GRCh37 (hg19) VCF-style: chr17-39915076-T-C.
Other names: c.1544A>G, p.His515Arg (NM_001352776.2, NM_001352777.2, NM_021991.4 and 3 more transcripts); c.1544A>G (NM_002230.2); short protein forms H515R.
Identifiers: ClinVar variation 1405334 (VCV001405334.9), dbSNP rs2143460147, ClinGen allele CA399493998.